The following is an entry in ClinVar:

ClinVar aggregate classification (germline): Benign/Likely benign. Review status: criteria provided, multiple submitters, no conflicts (2 of 4 stars). 4 submissions from 4 submitters: Benign (1); Likely benign (3). Last evaluated 2026-01-28.

Conditions:
GRIP1-related disorder. Also called: GRIP1-related condition.
Fraser syndrome 3. Identifiers: MedGen C4540040, MONDO:0054739, OMIM 617667.

Allele frequency attached by ClinVar (database versions not stated): gnomAD exomes 0.00014 and 0.00070; gnomAD 0.00021 and 0.00033; TOPMed 0.00045; ExAC 0.00073; 1000 Genomes Project 30x 0.00219; 1000 Genomes Project 0.00240.
gnomAD v4.1: 256 of 1,565,064 alleles (0.016%); highest among the groups gnomAD compares: East Asian, 0.54%; no homozygotes.

Submissions (4):

Labcorp Genetics (formerly Invitae), Labcorp
Classification: Benign. Last evaluated: 2026-01-28. Review status: criteria provided, single submitter. Criteria: Invitae Variant Classification Sherloc (09022015). Collection method: clinical testing. Allele origin: germline.

PreventionGenetics, part of Exact Sciences
Classification: Likely benign for GRIP1-related condition. Last evaluated: 2025-10-06. Review status: criteria provided, single submitter. Criteria: ACMG Guidelines, 2015. Collection method: clinical testing. Allele origin: germline.
Comment: This variant is classified as likely benign based on ACMG/AMP sequence variant interpretation guidelines (Richards et al. 2015 PMID: 25741868, with internal and published modifications).

Knight Diagnostic Laboratories, Oregon Health and Sciences University
Classification: Likely benign for Fraser syndrome 3. Last evaluated: 2018-09-13. Review status: criteria provided, single submitter. Criteria: ACMG Guidelines, 2015. Collection method: clinical testing. Allele origin: germline. Observed: 1 variant allele.

Illumina Laboratory Services, Illumina
Classification: Likely benign for Fraser syndrome 3. Last evaluated: 2018-01-13. Review status: criteria provided, single submitter. Criteria: ICSL Variant Classification Criteria 13 December 2019. Collection method: clinical testing. Allele origin: germline.
Comment: This variant was observed in the ICSL laboratory as part of a predisposition screen in an ostensibly healthy population. It had not been previously curated by ICSL or reported in the Human Gene Mutation Database (HGMD: prior to June 1st, 2018), and was therefore a candidate for classification through an automated scoring system. Utilizing variant allele frequency, disease prevalence and penetrance estimates, and inheritance mode, an automated score was calculated to assess if this variant is too frequent to cause the disease. Based on the score and internal cut-off values, a variant classified as likely benign is not then subjected to further curation. The score for this variant resulted in a classification of likely benign for this disease.

NM_001366722.1(GRIP1):c.1688-3T>C

Gene: GRIP1 (glutamate receptor interacting protein 1; minus strand). Cytogenetic location: 12q14.3.
Variant type: single nucleotide variant.
Coding change: c.1688-3T>C on transcript NM_001366722.1 (MANE Select); 3 bases into the intron before coding-DNA position 1688, T replaced by C.
Molecular consequence: intron variant.
Genome position (GRCh38, 1-based): chr12:66,432,631, A>G on the plus strand (T>C on the coding strand, the complement: GRIP1 is on the minus strand). VCF-style: chr12-66432631-A-G. GRCh37 (hg19) VCF-style: chr12-66826411-A-G.
Other names: c.1607-3T>C (NM_001366723.1); c.1610-3T>C (NM_001366724.1); c.1532-3T>C (NM_001178074.2, NM_021150.4).
Identifiers: ClinVar variation 794069 (VCV000794069.14), dbSNP rs185129168, ClinGen allele CA6674314.